The following is an entry in ClinVar:

NM_005502.4(ABCA1):c.2804A>G (p.Asn935Ser)

Gene: ABCA1 (ATP binding cassette subfamily A member 1; minus strand). Cytogenetic location: 9q31.1.
Variant type: single nucleotide variant.
Coding change: c.2804A>G on transcript NM_005502.4 (MANE Select); coding-DNA position 2804, A replaced by G.
Protein change: p.Asn935Ser; replaces asparagine 935 with serine.
Molecular consequence: missense variant.
Genome position (GRCh38, 1-based): chr9:104,822,520, T>C on the plus strand (A>G on the coding strand, the complement: ABCA1 is on the minus strand). VCF-style: chr9-104822520-T-C. GRCh37 (hg19) VCF-style: chr9-107584801-T-C.
Other names: N875S; short protein forms N935S.
Identifiers: ClinVar variation 9488 (VCV000009488.6), dbSNP rs28937313, ClinGen allele CA212916.

ClinVar aggregate classification (germline): Pathogenic. Review status: criteria provided, single submitter (1 of 4 stars). 2 submissions from 2 submitters: Pathogenic (1). 1 of the submissions does not count toward it. Last evaluated 2025-11-18.

Conditions:
Tangier disease (TGD). Also called: Cholesterol thesaurismosis; HIGH DENSITY LIPOPROTEIN DEFICIENCY, TANGIER TYPE; HIGH DENSITY LIPOPROTEIN DEFICIENCY, TYPE 1. Identifiers: Orphanet 31150, MedGen C0039292, MONDO:0008783, OMIM 205400.

Allele frequency attached by ClinVar (database versions not stated): TOPMed below 0.00001; gnomAD exomes 0.00001; ExAC 0.00002.
gnomAD v4.1: 12 of 1,613,846 alleles (0.00074%); highest among the groups gnomAD compares: African/African-American, 0.0013%; no homozygotes.

Submissions (2):

Labcorp Genetics (formerly Invitae), Labcorp
Classification: Pathogenic. Last evaluated: 2025-11-18. Review status: criteria provided, single submitter. Criteria: Invitae Variant Classification Sherloc (09022015). Collection method: clinical testing. Allele origin: germline.
Comment: This sequence change replaces asparagine, which is neutral and polar, with serine, which is neutral and polar, at codon 935 of the ABCA1 protein (p.Asn935Ser). This variant is present in population databases (rs28937313, gnomAD 0.002%). This missense change has been observed in individuals with Tangier disease (PMID: 10431237, 12111381, 15262183). This variant is also known as N875S. ClinVar contains an entry for this variant (Variation ID: 9488). Invitae Evidence Modeling of protein sequence and biophysical properties (such as structural, functional, and spatial information, amino acid conservation, physicochemical variation, residue mobility, and thermodynamic stability) indicates that this missense variant is expected to disrupt ABCA1 protein function with a positive predictive value of 80%. Experimental studies have shown that this missense change affects ABCA1 function (PMID: 16873719, 24097981). This variant disrupts the p.Asn935 amino acid residue in ABCA1. Other variant(s) that disrupt this residue have been observed in individuals with ABCA1-related conditions (PMID: 12111381, 19556721), which suggests that this may be a clinically significant amino acid residue. For these reasons, this variant has been classified as Pathogenic.

OMIM
Classification: Pathogenic for TANGIER DISEASE. Last evaluated: 1999-08-01. Review status: no assertion criteria provided. Collection method: literature only. Allele origin: germline. Not counted in ClinVar's aggregate classification.

Literature cited by the submitters: PubMed 10431237 (cited by Labcorp Genetics (formerly Invitae), Labcorp and OMIM); PubMed 12111381 (cited by Labcorp Genetics (formerly Invitae), Labcorp); PubMed 15262183 (cited by Labcorp Genetics (formerly Invitae), Labcorp); PubMed 16873719 (cited by Labcorp Genetics (formerly Invitae), Labcorp); PubMed 24097981 (cited by Labcorp Genetics (formerly Invitae), Labcorp); PubMed 19556721 (cited by Labcorp Genetics (formerly Invitae), Labcorp).